The following is an entry in ClinVar:

NM_001122955.4(BSCL2):c.1171G>A (p.Glu391Lys)

Genes: BSCL2 (BSCL2 lipid droplet biogenesis associated, seipin; minus strand), HNRNPUL2-BSCL2 (HNRNPUL2-BSCL2 readthrough (NMD candidate); minus strand). Cytogenetic location: 11q12.3.
Variant type: single nucleotide variant.
Coding change: c.1171G>A on transcript NM_001122955.4 (MANE Select); coding-DNA position 1171, G replaced by A.
Protein change: p.Glu391Lys; replaces glutamic acid 391 with lysine.
Molecular consequence: missense variant. On other transcripts: non-coding transcript variant (1), synonymous variant (1).
Genome position (GRCh38, 1-based): chr11:62,690,675, C>T on the plus strand (G>A on the coding strand, the complement: BSCL2 is on the minus strand). VCF-style: chr11-62690675-C-T. GRCh37 (hg19) VCF-style: chr11-62458147-C-T.
Other names: c.837G>A, p.Arg279= (NM_001130702.2); c.1177G>A, p.Glu393Lys (NM_001386027.1); c.1171G>A, p.Glu391Lys (NM_001386028.1); c.979G>A, p.Glu327Lys (NM_032667.6); short protein forms E391K, E393K, E327K.
Identifiers: ClinVar variation 1489147 (VCV001489147.6), dbSNP rs1195655527, ClinGen allele CA380955843.

ClinVar aggregate classification (germline): Uncertain significance (1 of 4 stars; one submission).

Conditions:
Charcot-Marie-Tooth disease type 2. Also called: Charcot-Marie-Tooth type 2. Identifiers: Orphanet 64746, MedGen C0270914, MONDO:0018993.

Allele frequency attached by ClinVar (database versions not stated): gnomAD exomes below 0.00001.

Submission:

Labcorp Genetics (formerly Invitae), Labcorp
Classification: Uncertain significance for Charcot-Marie-Tooth disease type 2. Last evaluated: 2022-09-07. Review status: criteria provided, single submitter. Criteria: Invitae Variant Classification Sherloc (09022015). Collection method: clinical testing. Allele origin: germline.
Comment: ClinVar contains an entry for this variant (Variation ID: 1489147). In summary, the available evidence is currently insufficient to determine the role of this variant in disease. Therefore, it has been classified as a Variant of Uncertain Significance. Algorithms developed to predict the effect of missense changes on protein structure and function output the following: SIFT: "Deleterious"; PolyPhen-2: "Benign"; Align-GVGD: "Class C0". The lysine amino acid residue is found in multiple mammalian species, which suggests that this missense change does not adversely affect protein function. This variant has not been reported in the literature in individuals affected with BSCL2-related conditions. This variant is present in population databases (no rsID available, gnomAD 0.003%). This sequence change replaces glutamic acid, which is acidic and polar, with lysine, which is basic and polar, at codon 327 of the BSCL2 protein (p.Glu327Lys).